The following is an entry in ClinVar:

NM_133510.4(RAD51B):c.757G>A (p.Val253Ile)

Gene: RAD51B (RAD51 paralog B; plus strand). Cytogenetic location: 14q24.1.
Variant type: single nucleotide variant.
Coding change: c.757G>A on transcript NM_133510.4 (MANE Select); coding-DNA position 757, G replaced by A.
Protein change: p.Val253Ile; replaces valine 253 with isoleucine.
Molecular consequence: missense variant.
Genome position (GRCh38, 1-based): chr14:68,291,884, G>A. VCF-style: chr14-68291884-G-A. GRCh37 (hg19) VCF-style: chr14-68758601-G-A.
Other names: c.757G>A, p.Val253Ile (NM_001321809.2, NM_001321810.2, NM_001321812.1 and 6 more transcripts); c.643G>A, p.Val215Ile (NM_001321815.1); c.400G>A, p.Val134Ile (NM_001321817.2); short protein forms V134I, V215I, V253I.
Identifiers: ClinVar variation 3786454 (VCV003786454.1).
Genomic context (GRCh38, chr14:68,291,884, plus strand): 5'-TTGGTCTTCCCTGTCTTTCTTCTCCCTTGCCCCCTACCCCTTCTCCCTGTCTGTTCACAG[G>A]TTATCTTGACGAATCAGATTACAACCCATCTGAGTGGAGCCCTGGCTTCTCAGGCAGACC-3'
Protein context (NP_598194.1, residues 243-263): KYLAEEFSIP[Val253Ile]ILTNQITTHL

ClinVar aggregate classification (germline): Uncertain significance (1 of 4 stars; one submission).

gnomAD v4.1: 3 of 1,612,172 alleles (0.00019%); highest among the groups gnomAD compares: Non-Finnish European, 0.00025%; no homozygotes.

Submission:

Ambry Genetics
Classification: Uncertain significance. Last evaluated: 2025-02-12. Review status: criteria provided, single submitter. Criteria: Ambry Variant Classification Scheme 2023. Collection method: clinical testing. Allele origin: germline.
Comment: The p.V253I variant (also known as c.757G>A) is located in coding exon 7 of the RAD51B gene. The valine at codon 253 is replaced by isoleucine, an amino acid with highly similar properties. This change occurs in the first base pair of coding exon 7. This amino acid position is conserved. In addition, this alteration is predicted to be tolerated by in silico analysis. Based on the available evidence, the clinical significance of this variant remains unclear.